The following is an entry in ClinVar:

ClinVar aggregate classification (germline): Pathogenic (1 of 4 stars; one submission).

Submission:

Labcorp Genetics (formerly Invitae), Labcorp
Classification: Pathogenic. Last evaluated: 2024-07-02. Review status: criteria provided, single submitter. Criteria: Invitae Variant Classification Sherloc (09022015). Collection method: clinical testing. Allele origin: germline.
Comment: This sequence change creates a premature translational stop signal (p.Ile56Thrfs*53) in the UBE2T gene. It is expected to result in an absent or disrupted protein product. Loss-of-function variants in UBE2T are known to be pathogenic (PMID: 26046368, 26119737). This variant is not present in population databases (gnomAD no frequency). This variant has not been reported in the literature in individuals affected with UBE2T-related conditions. For these reasons, this variant has been classified as Pathogenic.

Literature cited by the submitters: PubMed 26046368; PubMed 26119737.

NM_014176.4(UBE2T):c.167del (p.Ile56fs)

Gene: UBE2T (ubiquitin conjugating enzyme E2 T; minus strand). Cytogenetic location: 1q32.1.
Variant type: Deletion.
Coding change: c.167del on transcript NM_014176.4 (MANE Select); coding-DNA position 167, one base deleted (T; older notation c.167delT).
Protein change: p.Ile56fs; shifts the reading frame from isoleucine 56.
Molecular consequence: frameshift variant.
Genome position (GRCh38, 1-based): chr1:202,335,001, A deleted on the plus strand (T on the coding strand, the reverse complement: UBE2T is on the minus strand). VCF-style (leftmost placement, unchanged base first): chr1-202335000-GA-G. GRCh37 (hg19) VCF-style: chr1-202304128-GA-G.
Other names: c.77del, p.Ile26fs (NM_001310326.2); short protein forms I26fs, I56fs.
Identifiers: ClinVar variation 3658483 (VCV003658483.2).